The following is an entry in ClinVar:

ClinVar aggregate classification (germline): Likely benign (1 of 4 stars; one submission).

Allele frequency attached by ClinVar (database versions not stated): gnomAD exomes 0.00005; ExAC 0.00007; gnomAD 0.00012; TOPMed 0.00021.
gnomAD v4.1: 70 of 1,207,782 alleles (0.0058%); highest among the groups gnomAD compares: Admixed American, 0.035%; no homozygotes.

Submission:

CeGaT Center for Human Genetics Tuebingen
Classification: Likely benign. Last evaluated: 2023-01-01. Review status: criteria provided, single submitter. Criteria: CeGaT Center For Human Genetics Tuebingen Variant Classification Criteria Version 2. Collection method: clinical testing. Allele origin: germline. Affected: yes. Observed: 1 variant allele.
Comment: ZMYM3: BP4, BS2

NM_201599.3(ZMYM3):c.2572+6C>T

Gene: ZMYM3 (zinc finger MYM-type containing 3; minus strand). Cytogenetic location: Xq13.1.
Variant type: single nucleotide variant.
Coding change: c.2572+6C>T on transcript NM_201599.3 (MANE Select); 6 bases into the intron after coding-DNA position 2572, C replaced by T.
Molecular consequence: intron variant.
Genome position (GRCh38, 1-based): chrX:71,246,347, G>A on the plus strand (C>T on the coding strand, the complement: ZMYM3 is on the minus strand). VCF-style: chrX-71246347-G-A. GRCh37 (hg19) VCF-style: chrX-70466197-G-A.
Other names: c.2536+6C>T (NM_001171162.1); c.2572+6C>T (NM_005096.3).
Identifiers: ClinVar variation 2660864 (VCV002660864.24), dbSNP rs765666792, ClinGen allele CA10445597.